The following is an entry in ClinVar:

NM_175607.3(CNTN4):c.795G>A (p.Lys265=)

Gene: CNTN4 (contactin 4; plus strand). Cytogenetic location: 3p26.2.
Variant type: single nucleotide variant.
Coding change: c.795G>A on transcript NM_175607.3 (MANE Select); coding-DNA position 795, G replaced by A.
Protein change: p.Lys265=; no amino-acid change (lysine 265 retained).
Molecular consequence: synonymous variant.
Genome position (GRCh38, 1-based): chr3:2,887,079, G>A. VCF-style: chr3-2887079-G-A. GRCh37 (hg19) VCF-style: chr3-2928763-G-A.
Other names: c.795G>A, p.Lys265= (NM_001206955.2, NM_001350095.2).
Identifiers: ClinVar variation 3039797 (VCV003039797.2), dbSNP rs2093987496, ClinGen allele CA432101340.

ClinVar aggregate classification (germline): Likely benign (0 of 4 stars; one submission).

Conditions:
CNTN4-related disorder. Also called: CNTN4-related condition.

Allele frequency attached by ClinVar (database versions not stated): TOPMed below 0.00001.

Submission:

PreventionGenetics, part of Exact Sciences
Classification: Likely benign for CNTN4-related condition. Last evaluated: 2019-09-18. Review status: no assertion criteria provided. Collection method: clinical testing. Allele origin: germline.
Comment: This variant is classified as likely benign based on ACMG/AMP sequence variant interpretation guidelines (Richards et al. 2015 PMID: 25741868, with internal and published modifications).